The following is an entry in ClinVar:

NM_003611.3(OFD1):c.212T>C (p.Ile71Thr)

Gene: OFD1 (OFD1 centriole and centriolar satellite protein; plus strand). Cytogenetic location: Xp22.2.
Variant type: single nucleotide variant.
Coding change: c.212T>C on transcript NM_003611.3 (MANE Select); coding-DNA position 212, T replaced by C.
Protein change: p.Ile71Thr; replaces isoleucine 71 with threonine.
Molecular consequence: missense variant. On other transcripts: 5 prime UTR variant (1).
Genome position (GRCh38, 1-based): chrX:13,736,578, T>C. VCF-style: chrX-13736578-T-C. GRCh37 (hg19) VCF-style: chrX-13754697-T-C.
Other names: c.212T>C, p.Ile71Thr (NM_001330209.2, NM_001440947.1, NM_001440948.1); c.-334T>C (NM_001330210.2); short protein forms I71T.
Identifiers: ClinVar variation 4794516 (VCV004794516.1).
Genomic context (GRCh38, chrX:13,736,578, plus strand): 5'-CTGTATTGAGTGGAGAACTGCAGCCTCGGTCCATTTCAGTAGAAGGGAGCTCCCTCTTAA[T>C]AGGCGCCTCTAACTCTTTAGTGGCAGATCACTTACAAAGATGTGGCTATGAATATTCACT-3'
Protein context (NP_003602.1, residues 61-81): SISVEGSSLL[Ile71Thr]GASNSLVADH

ClinVar aggregate classification (germline): Uncertain significance (1 of 4 stars; one submission).

Conditions:
Joubert syndrome. Also called: Familial aplasia of the vermis; JOUBERT-BOLTSHAUSER SYNDROME; CEREBELLOPARENCHYMAL DISORDER IV. Identifiers: Orphanet 475, MedGen C5979921, MONDO:0018772.
Orofaciodigital syndrome I (OFD1). Also called: Papillon-Leage and Psaume Syndrome; OFDS I; Oral-Facial-Digital Syndrome Type I. Identifiers: Orphanet 2750, MedGen C1510460, MONDO:0010702, OMIM 311200.

Submission:

Labcorp Genetics (formerly Invitae), Labcorp
Classification: Uncertain significance for Orofaciodigital syndrome I; Joubert syndrome. Last evaluated: 2025-12-02. Review status: criteria provided, single submitter. Criteria: Invitae Variant Classification Sherloc (09022015). Collection method: clinical testing. Allele origin: germline.
Comment: This sequence change replaces isoleucine, which is neutral and non-polar, with threonine, which is neutral and polar, at codon 71 of the OFD1 protein (p.Ile71Thr). This variant is not present in population databases (gnomAD no frequency). This variant has not been reported in the literature in individuals affected with OFD1-related conditions. Invitae Evidence Modeling of protein sequence and biophysical properties (such as structural, functional, and spatial information, amino acid conservation, physicochemical variation, residue mobility, and thermodynamic stability) has been performed for this missense variant. However, the output from this modeling did not meet the statistical confidence thresholds required to predict the impact of this variant on OFD1 protein function. In summary, the available evidence is currently insufficient to determine the role of this variant in disease. Therefore, it has been classified as a Variant of Uncertain Significance.